The following is an entry in ClinVar:

NM_004385.5(VCAN):c.9445T>A (p.Phe3149Ile)

Genes: VCAN (versican; plus strand), VCAN-AS1 (VCAN antisense RNA 1; minus strand). Cytogenetic location: 5q14.3.
Variant type: single nucleotide variant.
Coding change: c.9445T>A on transcript NM_004385.5 (MANE Select); coding-DNA position 9445, T replaced by A.
Protein change: p.Phe3149Ile; replaces phenylalanine 3149 with isoleucine.
Molecular consequence: missense variant.
Genome position (GRCh38, 1-based): chr5:83,548,036, T>A. VCF-style: chr5-83548036-T-A. GRCh37 (hg19) VCF-style: chr5-82843855-T-A.
Other names: c.1222T>A, p.Phe408Ile (NM_001126336.3); c.6484T>A, p.Phe2162Ile (NM_001164097.2); c.4183T>A, p.Phe1395Ile (NM_001164098.2); short protein forms F2162I, F3149I, F408I, F1395I.
Identifiers: ClinVar variation 1519740 (VCV001519740.8), dbSNP rs906669401, ClinGen allele CA121779506.

ClinVar aggregate classification (germline): Uncertain significance (1 of 4 stars; one submission).

Allele frequency attached by ClinVar (database versions not stated): gnomAD 0.00001; TOPMed 0.00002.
gnomAD v4.1: 1 of 1,613,998 alleles (0.000062%); highest among the groups gnomAD compares: Non-Finnish European, 0.000085%; no homozygotes.

Submission:

Labcorp Genetics (formerly Invitae), Labcorp
Classification: Uncertain significance. Last evaluated: 2022-12-27. Review status: criteria provided, single submitter. Criteria: Invitae Variant Classification Sherloc (09022015). Collection method: clinical testing. Allele origin: germline.
Comment: This sequence change replaces phenylalanine, which is neutral and non-polar, with isoleucine, which is neutral and non-polar, at codon 3149 of the VCAN protein (p.Phe3149Ile). This variant is not present in population databases (gnomAD no frequency). This variant has not been reported in the literature in individuals affected with VCAN-related conditions. ClinVar contains an entry for this variant (Variation ID: 1519740). Algorithms developed to predict the effect of missense changes on protein structure and function are either unavailable or do not agree on the potential impact of this missense change (SIFT: "Deleterious"; PolyPhen-2: "Probably Damaging"; Align-GVGD: "Class C0"). In summary, the available evidence is currently insufficient to determine the role of this variant in disease. Therefore, it has been classified as a Variant of Uncertain Significance.